The following is an entry in ClinVar:

ClinVar aggregate classification (germline): Uncertain significance. Review status: criteria provided, multiple submitters, no conflicts (2 of 4 stars). 2 submissions from 2 submitters: Uncertain significance (2). Last evaluated 2024-07-19.

Conditions:
Inborn genetic diseases. Identifiers: MedGen C0950123, MeSH D030342.

gnomAD v4.1: 11 of 1,578,190 alleles (0.0007%); highest among the groups gnomAD compares: East Asian, 0.0092%; no homozygotes.

Submissions (2):

Labcorp Genetics (formerly Invitae), Labcorp
Classification: Uncertain significance. Last evaluated: 2024-07-19. Review status: criteria provided, single submitter. Criteria: Invitae Variant Classification Sherloc (09022015). Collection method: clinical testing. Allele origin: germline.
Comment: This sequence change replaces alanine, which is neutral and non-polar, with valine, which is neutral and non-polar, at codon 84 of the CRIPT protein (p.Ala84Val). The frequency data for this variant in the population databases is considered unreliable, as metrics indicate poor data quality at this position in the gnomAD database. This variant has not been reported in the literature in individuals affected with CRIPT-related conditions. ClinVar contains an entry for this variant (Variation ID: 2546471). An algorithm developed to predict the effect of missense changes on protein structure and function (PolyPhen-2) suggests that this variant is likely to be disruptive. In summary, the available evidence is currently insufficient to determine the role of this variant in disease. Therefore, it has been classified as a Variant of Uncertain Significance.

Ambry Genetics
Classification: Uncertain significance for Inborn genetic diseases. Last evaluated: 2023-05-16. Review status: criteria provided, single submitter. Criteria: Ambry Variant Classification Scheme 2023. Collection method: clinical testing. Allele origin: germline.

NM_014171.6(CRIPT):c.251C>T (p.Ala84Val)

Gene: CRIPT (CXXC repeat containing interactor of PDZ3 domain; plus strand). Cytogenetic location: 2p21.
Variant type: single nucleotide variant.
Coding change: c.251C>T on transcript NM_014171.6 (MANE Select); coding-DNA position 251, C replaced by T.
Protein change: p.Ala84Val; replaces alanine 84 with valine.
Molecular consequence: missense variant.
Genome position (GRCh38, 1-based): chr2:46,624,172, C>T. VCF-style: chr2-46624172-C-T. GRCh37 (hg19) VCF-style: chr2-46851311-C-T.
Other names: short protein forms A84V.
Identifiers: ClinVar variation 2546471 (VCV002546471.4), dbSNP rs758897566, ClinGen allele CA1646373.